The following is an entry in ClinVar:

NM_007194.4(CHEK2):c.1455del (p.Trp485fs)

Gene: CHEK2 (checkpoint kinase 2; minus strand). Cytogenetic location: 22q12.1.
Variant type: Deletion.
Coding change: c.1455del on transcript NM_007194.4 (MANE Select); coding-DNA position 1455, one base deleted (G; older notation c.1455delG).
Protein change: p.Trp485fs; shifts the reading frame from tryptophan 485.
Molecular consequence: frameshift variant.
Genome position (GRCh38, 1-based): chr22:28,694,038, C deleted on the plus strand (G on the coding strand, the reverse complement: CHEK2 is on the minus strand); the first of 2 consecutive C bases (chr22:28,694,038-28,694,039); deleting either gives the same sequence. VCF-style (leftmost placement, unchanged base first): chr22-28694037-GC-G. GRCh37 (hg19) VCF-style: chr22-29090025-GC-G.
Other names: c.1583delG, p.Trp528Cysfs (NM_001005735.3); c.1253delG, p.Trp418Cysfs (NM_001349956.3); c.791delG, p.Trp264Cysfs (NM_001257387.3); c.1367delG, p.Trp456Cysfs (NM_145862.3); short protein forms W418fs, W264fs, W456fs, W528fs, W485fs.
Identifiers: ClinVar variation 2818202 (VCV002818202.3), dbSNP rs1601715865, ClinGen allele CA2739265656.

ClinVar aggregate classification (germline): Pathogenic (1 of 4 stars; one submission).

Conditions:
Familial cancer of breast. Also called: BREAST CANCER, FAMILIAL; hereditary breast carcinoma; Hereditary breast cancer. Identifiers: Orphanet 227535, MedGen C0346153, MONDO:0016419, OMIM 114480. Disease mechanism: loss of function.

Submission:

Labcorp Genetics (formerly Invitae), Labcorp
Classification: Pathogenic for Familial cancer of breast. Last evaluated: 2022-12-03. Review status: criteria provided, single submitter. Criteria: Invitae Variant Classification Sherloc (09022015). Collection method: clinical testing. Allele origin: germline.
Comment: This sequence change creates a premature translational stop signal (p.Trp485Cysfs*7) in the CHEK2 gene. It is expected to result in an absent or disrupted protein product. Loss-of-function variants in CHEK2 are known to be pathogenic (PMID: 21876083, 24713400). This variant is not present in population databases (gnomAD no frequency). This variant has not been reported in the literature in individuals affected with CHEK2-related conditions. For these reasons, this variant has been classified as Pathogenic.

Literature cited by the submitters: PubMed 21876083; PubMed 24713400.